The following is an entry in ClinVar:

NM_006415.4(SPTLC1):c.310G>A (p.Ala104Thr)

Gene: SPTLC1 (serine palmitoyltransferase long chain base subunit 1; minus strand). Cytogenetic location: 9q22.31.
Variant type: single nucleotide variant.
Coding change: c.310G>A on transcript NM_006415.4 (MANE Select); coding-DNA position 310, G replaced by A.
Protein change: p.Ala104Thr; replaces alanine 104 with threonine.
Molecular consequence: missense variant. On other transcripts: 5 prime UTR variant (2).
Genome position (GRCh38, 1-based): chr9:92,080,914, C>T on the plus strand (G>A on the coding strand, the complement: SPTLC1 is on the minus strand). VCF-style: chr9-92080914-C-T. GRCh37 (hg19) VCF-style: chr9-94843196-C-T.
Other names: c.310G>A, p.Ala104Thr (NM_001281303.2, NM_178324.3); c.-190G>A (NM_001368272.1); c.-156G>A (NM_001368273.1); short protein forms A104T.
Identifiers: ClinVar variation 573814 (VCV000573814.16), dbSNP rs143232538, ClinGen allele CA5121606.
Genomic context (GRCh38, chr9:92,080,914, plus strand): 5'-AATATGTGCTACTCACCTTAACCCTAGGGTTATCCAACAATCCAAGAAAATTAAATGAGG[C>T]GAAGTTTATACATTCTTTTCCATTCACCACAGTTTTGTGGCTTGGAGGGCTAGGGAAGAG-3'
Protein context (NP_006406.1, residues 94-114): VVNGKECINF[Ala104Thr]SFNFLGLLDN

ClinVar aggregate classification (germline): Uncertain significance. Review status: criteria provided, multiple submitters, no conflicts (2 of 4 stars). 5 submissions from 5 submitters: Uncertain significance (5). Last evaluated 2025-11-11.

Conditions:
Neuropathy, hereditary sensory and autonomic, type 1A (HSAN1A). Also called: NEUROPATHY, HEREDITARY SENSORY AND AUTONOMIC, TYPE IA; SPTLC1-Related Hereditary Sensory Neuropathy; HSAN IA; HSN IA; NEUROPATHY, HEREDITARY SENSORY RADICULAR, AUTOSOMAL DOMINANT, TYPE 1A. Identifiers: MedGen C5235211, MONDO:0008086, OMIM 162400.
Hereditary sensory and autonomic neuropathy type 1 (HSAN1). Also called: HSAN 1; HSN Type I; Hereditary Sensory Neuropathy Type I. Identifiers: Orphanet 36386, MedGen C0020071, MONDO:0018213.

Allele frequency attached by ClinVar (database versions not stated): ExAC 0.00001; gnomAD 0.00003; gnomAD exomes 0.00002; TOPMed 0.00003; ESP Exome Variant Server 0.00015.
gnomAD v4.1: 23 of 1,614,018 alleles (0.0014%); highest among the groups gnomAD compares: African/African-American, 0.0027%; no homozygotes.

Submissions (5):

Women's Health and Genetics/Laboratory Corporation of America, LabCorp
Classification: Uncertain significance. Last evaluated: 2025-11-11. Review status: criteria provided, single submitter. Criteria: LabCorp Variant Classification Summary - May 2015. Collection method: clinical testing. Allele origin: germline.
Comment: Variant summary: SPTLC1 c.310G>A (p.Ala104Thr) results in a non-conservative amino acid change in the encoded protein sequence. Algorithms developed to predict the effect of missense changes on protein structure and function all suggest that this variant is likely to be disruptive. The variant allele was found at a frequency of 1.6e-05 in 251374 control chromosomes. The available data on variant occurrences in the general population are insufficient to allow any conclusion about variant significance. c.310G>A has been observed in individual(s) affected with Amyotrophic lateral sclerosis (Johnson_2021). These report(s) do not provide unequivocal conclusions about association of the variant with Neuropathy, hereditary sensory and autonomic, type 1A. To our knowledge, no experimental evidence demonstrating an impact on protein function has been reported. The following publication has been ascertained in the context of this evaluation (PMID: 34459874). ClinVar contains an entry for this variant (Variation ID: 573814). Based on the evidence outlined above, the variant was classified as uncertain significance.

Labcorp Genetics (formerly Invitae), Labcorp
Classification: Uncertain significance for Hereditary sensory and autonomic neuropathy type 1. Last evaluated: 2024-08-06. Review status: criteria provided, single submitter. Criteria: Invitae Variant Classification Sherloc (09022015). Collection method: clinical testing. Allele origin: germline.
Comment: This sequence change replaces alanine, which is neutral and non-polar, with threonine, which is neutral and polar, at codon 104 of the SPTLC1 protein (p.Ala104Thr). This variant is present in population databases (rs143232538, gnomAD 0.003%). This variant has not been reported in the literature in individuals affected with SPTLC1-related conditions. ClinVar contains an entry for this variant (Variation ID: 573814). Advanced modeling of protein sequence and biophysical properties (such as structural, functional, and spatial information, amino acid conservation, physicochemical variation, residue mobility, and thermodynamic stability) performed at Invitae indicates that this missense variant is not expected to disrupt SPTLC1 protein function with a negative predictive value of 80%. In summary, the available evidence is currently insufficient to determine the role of this variant in disease. Therefore, it has been classified as a Variant of Uncertain Significance.

Blueprint Genetics
Classification: Uncertain significance. Last evaluated: 2023-05-04. Review status: criteria provided, single submitter. Criteria: ACMG Guidelines, 2015. Collection method: clinical testing. Allele origin: germline.

GeneDx
Classification: Uncertain significance. Last evaluated: 2023-02-19. Review status: criteria provided, single submitter. Criteria: GeneDx Variant Classification Process June 2021. Collection method: clinical testing. Allele origin: germline. Affected: yes.
Comment: In silico analysis supports that this missense variant has a deleterious effect on protein structure/function; Has not been previously published as pathogenic or benign to our knowledge

Fulgent Genetics
Classification: Uncertain significance for Neuropathy, hereditary sensory and autonomic, type 1A. Last evaluated: 2018-10-31. Review status: criteria provided, single submitter. Criteria: ACMG Guidelines, 2015. Collection method: clinical testing. Allele origin: unknown.

Literature cited by the submitters: PubMed 34459874 (cited by Women's Health and Genetics/Laboratory Corporation of America, LabCorp).